The following is an entry in ClinVar:

ClinVar aggregate classification (germline): Pathogenic/Likely pathogenic. Review status: criteria provided, multiple submitters, no conflicts (2 of 4 stars). 4 submissions from 4 submitters: Pathogenic (3); Likely pathogenic (1). Last evaluated 2026-01-08.

Conditions:
Ornithine aminotransferase deficiency (GACR). Also called: Ornithine ketoacid aminotransferase deficiency; Gyrate atrophy; Gyrate atrophy of choroid and retina; Girate atrophy of the retina; OKT DEFICIENCY; HYPERORNITHINEMIA WITH GYRATE ATROPHY OF CHOROID AND RETINA. Identifiers: Orphanet 414, MedGen C0018425, MONDO:0009796, OMIM 258870.
OAT-related disorder. Also called: OAT-related condition.

Submissions (4):

Natera, Inc.
Classification: Likely pathogenic for Gyrate atrophy. Last evaluated: 2026-01-08. Review status: criteria provided, single submitter. Criteria: Natera Variant Classification Schema (03/2026). Collection method: clinical testing. Allele origin: germline.
Comment: The c.534G>A variant in OAT is a nonsense variant predicted to introduce a stop codon at amino acid 178. This variant is expected to result in nonsense mediated decay, truncation, or a dysfunctional protein product. This variant is rare in the general population with a frequency below the threshold expected for the associated phenotype(s). Given the available evidence, this variant is classified as Likely Pathogenic.

Myriad Genetics, Inc.
Classification: Pathogenic for Ornithine aminotransferase deficiency. Last evaluated: 2024-05-14. Review status: criteria provided, single submitter. Criteria: Myriad Autosomal Dominant, Autosomal Recessive and X-Linked Classification Criteria (2023). Collection method: clinical testing. Allele origin: unknown.
Comment: NM_000274.3(OAT):c.534G>A(W178*) is expected to be pathogenic in the context of ornithine aminotransferase deficiency. This variant is predicted to lead to an abnormal or absent protein product due to the creation of a premature termination codon in OAT, a gene where loss-of-function variants are known to be pathogenic. Please note: this variant was assessed in the context of healthy population screening.

Blueprint Genetics
Classification: Pathogenic for OAT-related disorders. Last evaluated: 2023-09-27. Review status: criteria provided, single submitter. Criteria: ACMG Guidelines, 2015. Collection method: clinical testing. Allele origin: germline. Affected: yes. Observed: 1 variant allele.

Labcorp Genetics (formerly Invitae), Labcorp
Classification: Pathogenic for Ornithine aminotransferase deficiency. Last evaluated: 2019-08-30. Review status: criteria provided, single submitter. Criteria: Invitae Variant Classification Sherloc (09022015). Collection method: clinical testing. Allele origin: germline.
Comment: For these reasons, this variant has been classified as Pathogenic. Loss-of-function variants in OAT are known to be pathogenic (PMID: 1737786, 23076989). This nonsense change has been observed in individuals affected with gyrate atrophy (PMID: 8430317, 22674428). This variant is not present in population databases (ExAC no frequency). This sequence change creates a premature translational stop signal (p.Trp178*) in the OAT gene. It is expected to result in an absent or disrupted protein product.

Literature cited by the submitters: PubMed 1737786 (cited by Labcorp Genetics (formerly Invitae), Labcorp); PubMed 23076989 (cited by Labcorp Genetics (formerly Invitae), Labcorp); PubMed 8430317 (cited by Labcorp Genetics (formerly Invitae), Labcorp); PubMed 22674428 (cited by Labcorp Genetics (formerly Invitae), Labcorp).

NM_000274.4(OAT):c.534G>A (p.Trp178Ter)

Gene: OAT (ornithine aminotransferase; minus strand). Cytogenetic location: 10q26.13.
Variant type: single nucleotide variant.
Coding change: c.534G>A on transcript NM_000274.4 (MANE Select); coding-DNA position 534, G replaced by A.
Protein change: p.Trp178Ter; replaces tryptophan 178 with a stop codon.
Molecular consequence: nonsense. On other transcripts: 5 prime UTR variant (1).
Genome position (GRCh38, 1-based): chr10:124,405,550, C>T on the plus strand (G>A on the coding strand, the complement: OAT is on the minus strand). VCF-style: chr10-124405550-C-T. GRCh37 (hg19) VCF-style: chr10-126094119-C-T.
Other names: c.120G>A, p.Trp40Ter (NM_001171814.2); c.534G>A, p.Trp178Ter (NM_001322965.2, NM_001322966.2, NM_001322967.2 and 3 more transcripts); c.213G>A, p.Trp71Ter (NM_001322971.2); c.-67G>A (NM_001322974.2); short protein forms W178*, W40*, W71*.
Identifiers: ClinVar variation 934801 (VCV000934801.12), dbSNP rs890106099, ClinGen allele CA215250677.